The following is an entry in ClinVar:

NM_001369369.1(FOXN1):c.1199C>T (p.Pro400Leu)

Gene: FOXN1 (forkhead box N1; plus strand). Cytogenetic location: 17q11.2.
Variant type: single nucleotide variant.
Coding change: c.1199C>T on transcript NM_001369369.1 (MANE Select); coding-DNA position 1199, C replaced by T.
Protein change: p.Pro400Leu; replaces proline 400 with leucine.
Molecular consequence: missense variant.
Genome position (GRCh38, 1-based): chr17:28,534,770, C>T. VCF-style: chr17-28534770-C-T. GRCh37 (hg19) VCF-style: chr17-26861788-C-T.
Other names: c.1199C>T, p.Pro400Leu (NM_003593.3); short protein forms P400L.
Identifiers: ClinVar variation 1524357 (VCV001524357.8), dbSNP rs747595085, ClinGen allele CA8459469.
Genomic context (GRCh38, chr17:28,534,770, plus strand): 5'-AGCTGGACAGCCTCATTGGAGACAAGAGAGAAAAGCTGGGCTCCCCACTCCTGGGCTGTC[C>T]GCCCCCTGGGCTGTCCGGCTCAGGCCCCATCCGGCCCCTGGCACCCCCAGCTGGCCTCTC-3'
Protein context (NP_001356298.1, residues 390-410): EKLGSPLLGC[Pro400Leu]PPGLSGSGPI

ClinVar aggregate classification (germline): Uncertain significance (1 of 4 stars; one submission).

Conditions:
T-cell immunodeficiency, congenital alopecia, and nail dystrophy. Also called: Congenital alopecia and nail dystrophy associated with severe functional T-cell immunodeficiency; Pignata Guarino syndrome. Identifiers: Orphanet 169095, MedGen C1866426, MONDO:0011132, OMIM 601705.

Allele frequency attached by ClinVar (database versions not stated): ExAC 0.00001; gnomAD 0.00001 and 0.00002; gnomAD exomes 0.00001; TOPMed 0.00002.
gnomAD v4.1: 11 of 1,613,368 alleles (0.00068%); highest among the groups gnomAD compares: Middle Eastern, 0.016%; no homozygotes.

Submission:

Labcorp Genetics (formerly Invitae), Labcorp
Classification: Uncertain significance for T-cell immunodeficiency, congenital alopecia, and nail dystrophy. Last evaluated: 2022-08-08. Review status: criteria provided, single submitter. Criteria: Invitae Variant Classification Sherloc (09022015). Collection method: clinical testing. Allele origin: germline.
Comment: In summary, the available evidence is currently insufficient to determine the role of this variant in disease. Therefore, it has been classified as a Variant of Uncertain Significance. Algorithms developed to predict the effect of missense changes on protein structure and function (SIFT, PolyPhen-2, Align-GVGD) all suggest that this variant is likely to be tolerated. ClinVar contains an entry for this variant (Variation ID: 1524357). This variant has not been reported in the literature in individuals affected with FOXN1-related conditions. This variant is present in population databases (rs747595085, gnomAD 0.0009%). This sequence change replaces proline, which is neutral and non-polar, with leucine, which is neutral and non-polar, at codon 400 of the FOXN1 protein (p.Pro400Leu).